The following is an entry in ClinVar:

ClinVar aggregate classification (germline): Uncertain significance (1 of 4 stars; one submission).

Conditions:
Deficiency of aromatic-L-amino-acid decarboxylase. Also called: AADC DEFICIENCY; DDC DEFICIENCY; DOPA DECARBOXYLASE DEFICIENCY; Aromatic amino acid decarboxylase deficiency; Aromatic L-Amino Acid Decarboxylase Deficiency. Identifiers: Orphanet 35708, MedGen C1291564, MONDO:0012084, OMIM 608643.

Allele frequency attached by ClinVar (database versions not stated): ExAC 0.00002.
gnomAD v4.1: 16 of 1,614,028 alleles (0.00099%); highest among the groups gnomAD compares: East Asian, 0.0067%; no homozygotes.

Submission:

Labcorp Genetics (formerly Invitae), Labcorp
Classification: Uncertain significance for Deficiency of aromatic-L-amino-acid decarboxylase. Last evaluated: 2024-11-18. Review status: criteria provided, single submitter. Criteria: Invitae Variant Classification Sherloc (09022015). Collection method: clinical testing. Allele origin: germline.
Comment: This sequence change replaces arginine, which is basic and polar, with glutamine, which is neutral and polar, at codon 39 of the DDC protein (p.Arg39Gln). This variant is present in population databases (rs376647978, gnomAD 0.006%). This variant has not been reported in the literature in individuals affected with DDC-related conditions. ClinVar contains an entry for this variant (Variation ID: 1441620). Invitae Evidence Modeling of protein sequence and biophysical properties (such as structural, functional, and spatial information, amino acid conservation, physicochemical variation, residue mobility, and thermodynamic stability) indicates that this missense variant is not expected to disrupt DDC protein function with a negative predictive value of 80%. In summary, the available evidence is currently insufficient to determine the role of this variant in disease. Therefore, it has been classified as a Variant of Uncertain Significance.

NM_001082971.2(DDC):c.116G>A (p.Arg39Gln)

Gene: DDC (dopa decarboxylase; minus strand). Cytogenetic location: 7p12.1.
Variant type: single nucleotide variant.
Coding change: c.116G>A on transcript NM_001082971.2 (MANE Select); coding-DNA position 116, G replaced by A.
Protein change: p.Arg39Gln; replaces arginine 39 with glutamine.
Molecular consequence: missense variant.
Genome position (GRCh38, 1-based): chr7:50,543,970, C>T on the plus strand (G>A on the coding strand, the complement: DDC is on the minus strand). VCF-style: chr7-50543970-C-T. GRCh37 (hg19) VCF-style: chr7-50611668-C-T.
Other names: c.116G>A, p.Arg39Gln (NM_000790.4, NM_001242886.2, NM_001242887.2 and 3 more transcripts); short protein forms R39Q.
Identifiers: ClinVar variation 1441620 (VCV001441620.8), dbSNP rs376647978, ClinGen allele CA4262496.